The following is an entry in ClinVar:

ClinVar aggregate classification (germline): Likely pathogenic. Review status: criteria provided, multiple submitters, no conflicts (2 of 4 stars). 2 submissions from 2 submitters: Likely pathogenic (2). Last evaluated 2024-03-28.

Conditions:
Agenesis of the corpus callosum with peripheral neuropathy (ACCPN). Also called: HMSN/ACC; CHARLEVOIX DISEASE; Hereditary Motor and Sensory Neuropathy with Agenesis of the Corpus Callosum; POLYNEUROPATHY, SENSORIMOTOR, WITH OR WITHOUT AGENESIS OF THE CORPUS CALLOSUM. Identifiers: Orphanet 1496, MedGen C0795950, MONDO:0000902, OMIM 218000. Disease mechanism: loss of function.

Allele frequency attached by ClinVar (database versions not stated): gnomAD exomes below 0.00001.

Submissions (2):

Baylor Genetics
Classification: Likely pathogenic for Agenesis of the corpus callosum with peripheral neuropathy. Last evaluated: 2024-03-28. Review status: criteria provided, single submitter. Criteria: ACMG Guidelines, 2015. Collection method: clinical testing. Allele origin: unknown.

Women's Health and Genetics/Laboratory Corporation of America, LabCorp
Classification: Likely pathogenic for Agenesis of the corpus callosum with peripheral neuropathy. Last evaluated: 2023-04-04. Review status: criteria provided, single submitter. Criteria: LabCorp Variant Classification Summary - May 2015. Collection method: clinical testing. Allele origin: germline.
Comment: Variant summary: SLC12A6 c.1820delT (p.Leu607ArgfsX19) results in a premature termination codon, predicted to cause a truncation of the encoded protein or absence of the protein due to nonsense mediated decay, which are commonly known mechanisms for disease. The variant was absent in 251434 control chromosomes. To our knowledge, no occurrence of c.1820delT in individuals affected with Andermann Syndrome and no experimental evidence demonstrating its impact on protein function have been reported. No clinical diagnostic laboratories have submitted clinical-significance assessments for this variant to ClinVar after 2014. Based on the evidence outlined above, the variant was classified as likely pathogenic.

NM_001365088.1(SLC12A6):c.1820del (p.Leu607fs)

Gene: SLC12A6 (solute carrier family 12 member 6; minus strand). Cytogenetic location: 15q14.
Variant type: Deletion.
Coding change: c.1820del on transcript NM_001365088.1 (MANE Select); coding-DNA position 1820, one base deleted (T; older notation c.1820delT).
Protein change: p.Leu607fs; shifts the reading frame from leucine 607.
Molecular consequence: frameshift variant.
Genome position (GRCh38, 1-based): chr15:34,245,697, A deleted on the plus strand (T on the coding strand, the reverse complement: SLC12A6 is on the minus strand). VCF-style (leftmost placement, unchanged base first): chr15-34245696-CA-C. GRCh37 (hg19) VCF-style: chr15-34537897-CA-C.
Other names: c.1643del, p.Leu548fs (NM_001042494.2, NM_001042495.2); c.1793del, p.Leu598fs (NM_001042496.2); c.1775del, p.Leu592fs (NM_001042497.2); c.1667del, p.Leu556fs (NM_005135.2); c.1820del, p.Leu607fs (NM_133647.2); short protein forms L548fs, L556fs, L592fs, L598fs, L607fs.
Identifiers: ClinVar variation 2503854 (VCV002503854.2), dbSNP rs2509782416, ClinGen allele CA2580613787.